The following is an entry in ClinVar:

ClinVar aggregate classification (germline): Uncertain significance (1 of 4 stars; one submission).

gnomAD v4.1: 1 of 1,613,240 alleles (0.000062%); highest among the groups gnomAD compares: Admixed American, 0.0017%; no homozygotes.

Submission:

Labcorp Genetics (formerly Invitae), Labcorp
Classification: Uncertain significance. Last evaluated: 2025-05-21. Review status: criteria provided, single submitter. Criteria: Invitae Variant Classification Sherloc (09022015). Collection method: clinical testing. Allele origin: germline.
Comment: This sequence change falls in intron 11 of the JAK1 gene. It does not directly change the encoded amino acid sequence of the JAK1 protein. It affects a nucleotide within the consensus splice site. This variant is present in population databases (no rsID available, gnomAD no frequency). This variant has not been reported in the literature in individuals affected with JAK1-related conditions. Variants that disrupt the consensus splice site are a relatively common cause of aberrant splicing (PMID: 17576681, 9536098). Algorithms developed to predict the effect of sequence changes on RNA splicing suggest that this variant may disrupt the consensus splice site. In summary, the available evidence is currently insufficient to determine the role of this variant in disease. Therefore, it has been classified as a Variant of Uncertain Significance.

Literature cited by the submitters: PubMed 17576681; PubMed 9536098.

NM_002227.4(JAK1):c.1648+6T>C

Gene: JAK1 (Janus kinase 1; minus strand). Cytogenetic location: 1p31.3.
Variant type: single nucleotide variant.
Coding change: c.1648+6T>C on transcript NM_002227.4 (MANE Select); 6 bases into the intron after coding-DNA position 1648, T replaced by C.
Molecular consequence: intron variant.
Genome position (GRCh38, 1-based): chr1:64,855,503, A>G on the plus strand (T>C on the coding strand, the complement: JAK1 is on the minus strand). VCF-style: chr1-64855503-A-G. GRCh37 (hg19) VCF-style: chr1-65321186-A-G.
Other names: c.1648+6T>C (NM_001321852.2, NM_001321854.2, NM_001321853.2 and 3 more transcripts); c.1645+6T>C (NM_001321857.2).
Identifiers: ClinVar variation 4807366 (VCV004807366.1).